The following is an entry in ClinVar:

ClinVar aggregate classification (germline): Benign. Review status: criteria provided, multiple submitters, no conflicts (2 of 4 stars). 5 submissions from 5 submitters: Benign (3). 2 of the submissions do not count toward it. Last evaluated 2026-01-15.

Conditions:
Familial acute necrotizing encephalopathy (IIAE3). Also called: ENCEPHALOPATHY, ACUTE, INFECTION-INDUCED, SUSCEPTIBILITY TO, 3; Susceptibility to Acute Necrotizing Encephalopathy 1. Identifiers: Orphanet 88619, MedGen C2675556, MONDO:0011953, OMIM 608033.

Allele frequency attached by ClinVar (database versions not stated): gnomAD 0.00418 and 0.00497; ESP Exome Variant Server 0.00502; TOPMed 0.00504; gnomAD exomes 0.00721 and 0.00803; ExAC 0.00828; 1000 Genomes Project 0.01038; 1000 Genomes Project 30x 0.01077.
gnomAD v4.1: 11,252 of 1,611,786 alleles (0.7%); highest among the groups gnomAD compares: East Asian, 3.3%; 88 homozygotes.

Submissions (5):

Labcorp Genetics (formerly Invitae), Labcorp
Classification: Benign for Familial acute necrotizing encephalopathy. Last evaluated: 2026-01-15. Review status: criteria provided, single submitter. Criteria: Invitae Variant Classification Sherloc (09022015). Collection method: clinical testing. Allele origin: germline.

GeneDx
Classification: Benign. Last evaluated: 2016-03-22. Review status: criteria provided, single submitter. Criteria: GeneDx Variant Classification (06012015). Collection method: clinical testing. Allele origin: germline. Affected: yes.
Comment: This variant is considered likely benign or benign based on one or more of the following criteria: it is a conservative change, it occurs at a poorly conserved position in the protein, it is predicted to be benign by multiple in silico algorithms, and/or has population frequency not consistent with disease.

Breakthrough Genomics
Classification: Benign. Review status: criteria provided, single submitter. Criteria: ACMG Guidelines, 2015. Collection method: not provided. Allele origin: germline. Inheritance: Autosomal dominant inheritance. Affected: yes.

Genome Diagnostics Laboratory, University Medical Center Utrecht
Classification: Benign. Review status: no assertion criteria provided. Collection method: clinical testing. Allele origin: germline. Affected: yes. Study: VKGL Data-share Consensus. Not counted in ClinVar's aggregate classification.

Laboratory of Diagnostic Genome Analysis, Leiden University Medical Center (LUMC)
Classification: Likely benign. Review status: no assertion criteria provided. Collection method: clinical testing. Allele origin: germline. Affected: yes. Study: VKGL Data-share Consensus. Not counted in ClinVar's aggregate classification.

NM_006267.5(RANBP2):c.2339C>T (p.Pro780Leu)

Gene: RANBP2 (RAN binding protein 2; plus strand). Cytogenetic location: 2q13.
Variant type: single nucleotide variant.
Coding change: c.2339C>T on transcript NM_006267.5 (MANE Select); coding-DNA position 2339, C replaced by T.
Protein change: p.Pro780Leu; replaces proline 780 with leucine.
Molecular consequence: missense variant.
Genome position (GRCh38, 1-based): chr2:108,755,041, C>T. VCF-style: chr2-108755041-C-T. GRCh37 (hg19) VCF-style: chr2-109371497-C-T.
Other names: short protein forms P780L.
Identifiers: ClinVar variation 382461 (VCV000382461.15), dbSNP rs61758802, ClinGen allele CA1822637.